The following is an entry in ClinVar:

ClinVar aggregate classification (germline): Uncertain significance. Review status: criteria provided, multiple submitters, no conflicts (2 of 4 stars). 3 submissions from 3 submitters: Uncertain significance (3). Last evaluated 2024-12-17.

Conditions:
Familial sleep-related hypermotor epilepsy. Also called: Autosomal Dominant Sleep-Related Hypermotor (Hyperkinetic) Epilepsy. Identifiers: Orphanet 98784, MedGen C3696898, MONDO:0000030.
Inborn genetic diseases. Identifiers: MedGen C0950123, MeSH D030342.
CHRNA4-related disorder. Also called: CHRNA4-related condition.

Allele frequency attached by ClinVar (database versions not stated): ESP Exome Variant Server 0.00008; gnomAD 0.00002; TOPMed 0.00003.
gnomAD v4.1: 8 of 1,611,800 alleles (0.0005%); highest among the groups gnomAD compares: African/African-American, 0.004%; no homozygotes.

Submissions (3):

Labcorp Genetics (formerly Invitae), Labcorp
Classification: Uncertain significance. Last evaluated: 2024-12-17. Review status: criteria provided, single submitter. Criteria: Invitae Variant Classification Sherloc (09022015). Collection method: clinical testing. Allele origin: germline.
Comment: This sequence change replaces proline, which is neutral and non-polar, with leucine, which is neutral and non-polar, at codon 121 of the CHRNA4 protein (p.Pro121Leu). This variant is present in population databases (rs377114983, gnomAD 0.03%). This variant has not been reported in the literature in individuals affected with CHRNA4-related conditions. ClinVar contains an entry for this variant (Variation ID: 581212). Invitae Evidence Modeling of protein sequence and biophysical properties (such as structural, functional, and spatial information, amino acid conservation, physicochemical variation, residue mobility, and thermodynamic stability) indicates that this missense variant is expected to disrupt CHRNA4 protein function with a positive predictive value of 80%. In summary, the available evidence is currently insufficient to determine the role of this variant in disease. Therefore, it has been classified as a Variant of Uncertain Significance.

PreventionGenetics, part of Exact Sciences
Classification: Uncertain significance for CHRNA4-related condition. Last evaluated: 2023-02-21. Review status: criteria provided, single submitter. Criteria: ACMG Guidelines, 2015. Collection method: clinical testing. Allele origin: germline.
Comment: The CHRNA4 c.362C>T variant is predicted to result in the amino acid substitution p.Pro121Leu. To our knowledge, this variant has not been reported in the literature. This variant is reported in 0.0040% of alleles in individuals of European (Finnish) descent in gnomAD. At this time, the clinical significance of this variant is uncertain due to the absence of conclusive functional and genetic evidence.

Ambry Genetics
Classification: Uncertain significance for Inborn genetic diseases. Last evaluated: 2020-03-27. Review status: criteria provided, single submitter. Criteria: Ambry Variant Classification Scheme 2023. Collection method: clinical testing. Allele origin: germline.
Comment: The p.P121L variant (also known as c.362C>T), located in coding exon 4 of the CHRNA4 gene, results from a C to T substitution at nucleotide position 362. The proline at codon 121 is replaced by leucine, an amino acid with similar properties. This amino acid position is highly conserved in available vertebrate species. In addition, this alteration is predicted to be deleterious by in silico analysis. Since supporting evidence is limited at this time, the clinical significance of this alteration remains unclear.

NM_000744.7(CHRNA4):c.362C>T (p.Pro121Leu)

Genes: CHRNA4 (cholinergic receptor nicotinic alpha 4 subunit; minus strand), LOC126863087 (P300/CBP strongly-dependent group 1 enhancer GRCh37_chr20:61986832-61988031; plus strand). Cytogenetic location: 20q13.33.
Variant type: single nucleotide variant.
Coding change: c.362C>T on transcript NM_000744.7 (MANE Select); coding-DNA position 362, C replaced by T.
Protein change: p.Pro121Leu; replaces proline 121 with leucine.
Molecular consequence: missense variant. On other transcripts: 5 prime UTR variant (1), non-coding transcript variant (1).
Genome position (GRCh38, 1-based): chr20:63,355,996, G>A on the plus strand (C>T on the coding strand, the complement: CHRNA4 is on the minus strand). VCF-style: chr20-63355996-G-A. GRCh37 (hg19) VCF-style: chr20-61987348-G-A.
Other names: c.-185C>T (NM_001256573.2); short protein forms P121L.
Identifiers: ClinVar variation 581212 (VCV000581212.12), dbSNP rs377114983, ClinGen allele CA317441784.
Genomic context (GRCh38, chr20:63,355,996, plus strand): 5'-AAGGCCCTGTAGAGGACTCACTTGTTGTAGAGGACTCACTTGTTGTAGAGGACGATGTCC[G>A]GCCGCCAGATGAGCTCGGAGGGGATGCGGATGGAGGTGACATTCTCATAGTCAGCTGGGT-3'
Protein context (NP_000735.1, residues 111-131): IRIPSELIWR[Pro121Leu]DIVLYNNADG